The following is an entry in ClinVar:

NM_054027.6(ANKH):c.677C>T (p.Pro226Leu)

Gene: ANKH (ANKH inorganic pyrophosphate transport regulator; minus strand). Cytogenetic location: 5p15.2.
Variant type: single nucleotide variant.
Coding change: c.677C>T on transcript NM_054027.6 (MANE Select); coding-DNA position 677, C replaced by T.
Protein change: p.Pro226Leu; replaces proline 226 with leucine.
Molecular consequence: missense variant.
Genome position (GRCh38, 1-based): chr5:14,751,079, G>A on the plus strand (C>T on the coding strand, the complement: ANKH is on the minus strand). VCF-style: chr5-14751079-G-A. GRCh37 (hg19) VCF-style: chr5-14751188-G-A.
Other names: short protein forms P226L.
Identifiers: ClinVar variation 1094702 (VCV001094702.13), dbSNP rs148526515, ClinGen allele CA3209060.

ClinVar aggregate classification (germline): Conflicting classifications of pathogenicity. Review status: criteria provided, conflicting classifications (1 of 4 stars). 3 submissions from 3 submitters: Uncertain significance (1); Likely benign (2). Last evaluated 2025-10-06.

Conditions:
Inborn genetic diseases. Identifiers: MedGen C0950123, MeSH D030342.

Allele frequency attached by ClinVar (database versions not stated): gnomAD 0.00008; gnomAD exomes 0.00013 and 0.00019; ESP Exome Variant Server 0.00015; ExAC 0.00016; TOPMed 0.00018.
gnomAD v4.1: 200 of 1,614,050 alleles (0.012%); highest among the groups gnomAD compares: Admixed American, 0.087%; no homozygotes.

Submissions (3):

Ambry Genetics
Classification: Uncertain significance for Inborn genetic diseases. Last evaluated: 2025-10-06. Review status: criteria provided, single submitter. Criteria: Ambry Variant Classification Scheme 2023. Collection method: clinical testing. Allele origin: germline.

Labcorp Genetics (formerly Invitae), Labcorp
Classification: Likely benign. Last evaluated: 2025-08-18. Review status: criteria provided, single submitter. Criteria: Invitae Variant Classification Sherloc (09022015). Collection method: clinical testing. Allele origin: germline.

GeneDx
Classification: Likely benign. Last evaluated: 2021-03-08. Review status: criteria provided, single submitter. Criteria: GeneDx Variant Classification Process June 2021. Collection method: clinical testing. Allele origin: germline. Affected: yes.
Comment: In silico analysis, which includes protein predictors and evolutionary conservation, supports that this variant does not alter protein structure/function; Has not been previously published as pathogenic or benign to our knowledge